The following is an entry in ClinVar:

ClinVar aggregate classification (germline): Likely pathogenic (1 of 4 stars; one submission).

Conditions:
Autosomal recessive limb-girdle muscular dystrophy type 2J (LGMDR10). Also called: Limb-girdle muscular dystrophy, type 2J; MUSCULAR DYSTROPHY, LIMB-GIRDLE, AUTOSOMAL RECESSIVE 10. Identifiers: Orphanet 140922, MedGen C1837342, MONDO:0012127, OMIM 608807.
Dilated cardiomyopathy 1G (CMD1G). Identifiers: Orphanet 154, MedGen C1858763, MONDO:0011400, OMIM 604145.

Submission:

Labcorp Genetics (formerly Invitae), Labcorp
Classification: Likely pathogenic for Dilated cardiomyopathy 1G; Autosomal recessive limb-girdle muscular dystrophy type 2J. Last evaluated: 2024-11-26. Review status: criteria provided, single submitter. Criteria: Invitae Variant Classification Sherloc (09022015). Collection method: clinical testing. Allele origin: germline.
Comment: This sequence change creates a premature translational stop signal (p.Pro23146Thrfs*8) in the TTN gene. While this is not anticipated to result in nonsense mediated decay, it is expected to create a truncated TTN protein. This variant is not present in population databases (gnomAD no frequency). This variant has not been reported in the literature in individuals affected with TTN-related conditions. This variant is located in the A band of TTN (PMID: 25589632). Truncating variants in this region are significantly overrepresented in patients affected with dilated cardiomyopathy (PMID: 25589632). Truncating variants in this region have also been reported in individuals affected with autosomal recessive centronuclear myopathy (PMID: 23975875). In summary, the currently available evidence indicates that the variant is pathogenic, but additional data are needed to prove that conclusively. Therefore, this variant has been classified as Likely Pathogenic.

Literature cited by the submitters: PubMed 25589632; PubMed 23975875.

NM_001267550.2(TTN):c.69435dup (p.Pro23146fs)

Genes: TTN-AS1 (TTN antisense RNA 1; plus strand), TTN (titin; minus strand). Cytogenetic location: 2q31.2.
Variant type: Duplication.
Coding change: c.69435dup on transcript NM_001267550.2 (MANE Select); coding-DNA position 69435, one base duplicated (A; older notation c.69435dupA).
Protein change: p.Pro23146fs; shifts the reading frame from proline 23146.
Molecular consequence: frameshift variant.
Genome position (GRCh38, 1-based): chr2:178,576,809, T duplicated on the plus strand (A on the coding strand, the reverse complement: TTN is on the minus strand); the first of 5 consecutive T bases (chr2:178,576,809-178,576,813); duplicating any one gives the same sequence. VCF-style (leftmost placement, unchanged base first): chr2-178576808-G-GT. GRCh37 (hg19) VCF-style: chr2-179441535-G-GT.
Other names: c.64512dup, p.Pro21505fs (NM_001256850.1); c.42240dup, p.Pro14081fs (NM_003319.4); c.61731dup, p.Pro20578fs (NM_133378.4); c.42615dup, p.Pro14206fs (NM_133432.3); c.42816dup, p.Pro14273fs (NM_133437.4); short protein forms P14081fs, P14206fs, P14273fs, P20578fs, P21505fs, P23146fs.
Identifiers: ClinVar variation 3752755 (VCV003752755.2).